The following is an entry in ClinVar:

NM_001631.5(ALPI):c.431G>A (p.Arg144His)

Gene: ALPI (alkaline phosphatase, intestinal; plus strand). Cytogenetic location: 2q37.1.
Variant type: single nucleotide variant.
Coding change: c.431G>A on transcript NM_001631.5 (MANE Select); coding-DNA position 431, G replaced by A.
Protein change: p.Arg144His; replaces arginine 144 with histidine.
Molecular consequence: missense variant.
Genome position (GRCh38, 1-based): chr2:232,457,029, G>A. VCF-style: chr2-232457029-G-A. GRCh37 (hg19) VCF-style: chr2-233321739-G-A.
Other names: short protein forms R144H.
Identifiers: ClinVar variation 3037549 (VCV003037549.2), dbSNP rs7559279, ClinGen allele CA2166370.
Genomic context (GRCh38, chr2:232,457,029, plus strand): 5'-CCAACTTCCAGACCATCGGCTTGAGTGCAGCCGCCCGCTTTAACCAGTGCAACACGACAC[G>A]CGGCAATGAGGTCATCTCCGTGATGAACCGGGCCAAGCAAGCAGGTGAGCTGGGGCCCGC-3'
Protein context (NP_001622.2, residues 134-154): AARFNQCNTT[Arg144His]GNEVISVMNR

ClinVar aggregate classification (germline): Benign (0 of 4 stars; one submission).

Conditions:
ALPI-related disorder. Also called: ALPI-related condition.

Allele frequency attached by ClinVar (database versions not stated): ExAC 0.00423; gnomAD 0.01244; TOPMed 0.01367; ESP Exome Variant Server 0.01515; 1000 Genomes Project 30x 0.01765; 1000 Genomes Project 0.01797.
gnomAD v4.1: 3,825 of 1,613,566 alleles (0.24%); highest among the groups gnomAD compares: African/African-American, 4.4%; 64 homozygotes.

Submission:

PreventionGenetics, part of Exact Sciences
Classification: Benign for ALPI-related condition. Last evaluated: 2019-05-23. Review status: no assertion criteria provided. Collection method: clinical testing. Allele origin: germline.
Comment: This variant is classified as benign based on ACMG/AMP sequence variant interpretation guidelines (Richards et al. 2015 PMID: 25741868, with internal and published modifications).